The following is an entry in ClinVar:

ClinVar aggregate classification (germline): Uncertain significance (1 of 4 stars; one submission).

Submission:

GeneDx
Classification: Uncertain significance. Last evaluated: 2026-03-04. Review status: criteria provided, single submitter. Criteria: GeneDx Variant Classification Process June 2021. Collection method: clinical testing. Allele origin: germline.
Comment: Not observed at significant frequency in large population cohorts (gnomAD); In silico analysis supports that this missense variant has a deleterious effect on protein structure/function; Has not been previously published as pathogenic or benign to our knowledge

NM_003867.4(FGF17):c.333C>A (p.Asn111Lys)

Gene: FGF17 (fibroblast growth factor 17; plus strand). Cytogenetic location: 8p21.3.
Variant type: single nucleotide variant.
Coding change: c.333C>A on transcript NM_003867.4 (MANE Select); coding-DNA position 333, C replaced by A.
Protein change: p.Asn111Lys; replaces asparagine 111 with lysine.
Molecular consequence: missense variant.
Genome position (GRCh38, 1-based): chr8:22,046,609, C>A. VCF-style: chr8-22046609-C-A. GRCh37 (hg19) VCF-style: chr8-21904120-C-A.
Other names: c.300C>A, p.Asn100Lys (NM_001304478.1); short protein forms N100K, N111K.
Identifiers: ClinVar variation 5010025 (VCV005010025.1).